The following is an entry in ClinVar:

NM_001330260.2(SCN8A):c.4483C>G (p.Leu1495Val)

Gene: SCN8A (sodium voltage-gated channel alpha subunit 8; plus strand). Cytogenetic location: 12q13.13.
Variant type: single nucleotide variant.
Coding change: c.4483C>G on transcript NM_001330260.2 (MANE Select); coding-DNA position 4483, C replaced by G.
Protein change: p.Leu1495Val; replaces leucine 1495 with valine.
Molecular consequence: missense variant.
Genome position (GRCh38, 1-based): chr12:51,790,461, C>G. VCF-style: chr12-51790461-C-G. GRCh37 (hg19) VCF-style: chr12-52184245-C-G.
Other names: c.4360C>G, p.Leu1454Val (NM_001177984.3, NM_001369788.1); c.4483C>G, p.Leu1495Val (NM_014191.4); short protein forms L1454V, L1495V.
Identifiers: ClinVar variation 4801283 (VCV004801283.1).

ClinVar aggregate classification (germline): Uncertain significance (1 of 4 stars; one submission).

Conditions:
Early-infantile DEE. Also called: Early infantile epileptic encephalopathy with suppression bursts; Early infantile epileptic encephalopathy; Ohtahara syndrome. Identifiers: Orphanet 1934, MedGen C0393706, MONDO:0800491.

Submission:

Labcorp Genetics (formerly Invitae), Labcorp
Classification: Uncertain significance for Early-infantile DEE. Last evaluated: 2025-06-03. Review status: criteria provided, single submitter. Criteria: Invitae Variant Classification Sherloc (09022015). Collection method: clinical testing. Allele origin: germline.
Comment: This sequence change replaces leucine, which is neutral and non-polar, with valine, which is neutral and non-polar, at codon 1495 of the SCN8A protein (p.Leu1495Val). This variant is not present in population databases (gnomAD no frequency). This variant has not been reported in the literature in individuals affected with SCN8A-related conditions. Invitae Evidence Modeling of protein sequence and biophysical properties (such as structural, functional, and spatial information, amino acid conservation, physicochemical variation, residue mobility, and thermodynamic stability) indicates that this missense variant is expected to disrupt SCN8A protein function with a positive predictive value of 95%. Algorithms developed to predict the effect of sequence changes on RNA splicing suggest that this variant may disrupt the consensus splice site. In summary, the available evidence is currently insufficient to determine the role of this variant in disease. Therefore, it has been classified as a Variant of Uncertain Significance.